The following is an entry in ClinVar:

NM_000812.4(GABRB1):c.1172A>G (p.Lys391Arg)

Gene: GABRB1 (gamma-aminobutyric acid type A receptor subunit beta1; plus strand). Cytogenetic location: 4p12.
Variant type: single nucleotide variant.
Coding change: c.1172A>G on transcript NM_000812.4 (MANE Select); coding-DNA position 1172, A replaced by G.
Protein change: p.Lys391Arg; replaces lysine 391 with arginine.
Molecular consequence: missense variant.
Genome position (GRCh38, 1-based): chr4:47,425,765, A>G. VCF-style: chr4-47425765-A-G. GRCh37 (hg19) VCF-style: chr4-47427782-A-G.
Other names: short protein forms K391R.
Identifiers: ClinVar variation 4802697 (VCV004802697.1).

ClinVar aggregate classification (germline): Uncertain significance (1 of 4 stars; one submission).

Submission:

Labcorp Genetics (formerly Invitae), Labcorp
Classification: Uncertain significance. Last evaluated: 2025-07-21. Review status: criteria provided, single submitter. Criteria: Invitae Variant Classification Sherloc (09022015). Collection method: clinical testing. Allele origin: germline.
Comment: This sequence change replaces lysine, which is basic and polar, with arginine, which is basic and polar, at codon 391 of the GABRB1 protein (p.Lys391Arg). This variant is not present in population databases (gnomAD no frequency). This variant has not been reported in the literature in individuals affected with GABRB1-related conditions. Invitae Evidence Modeling of protein sequence and biophysical properties (such as structural, functional, and spatial information, amino acid conservation, physicochemical variation, residue mobility, and thermodynamic stability) indicates that this missense variant is not expected to disrupt GABRB1 protein function with a negative predictive value of 95%. In summary, the available evidence is currently insufficient to determine the role of this variant in disease. Therefore, it has been classified as a Variant of Uncertain Significance.